The following is an entry in ClinVar:

ClinVar aggregate classification (germline): Pathogenic (1 of 4 stars; one submission).

Submission:

Labcorp Genetics (formerly Invitae), Labcorp
Classification: Pathogenic. Last evaluated: 2023-06-09. Review status: criteria provided, single submitter. Criteria: Invitae Variant Classification Sherloc (09022015). Collection method: clinical testing. Allele origin: germline.
Comment: This variant has not been reported in the literature in individuals affected with PIEZO1-related conditions. For these reasons, this variant has been classified as Pathogenic. Algorithms developed to predict the effect of sequence changes on RNA splicing suggest that this variant may create or strengthen a splice site. This variant is not present in population databases (gnomAD no frequency). This sequence change creates a premature translational stop signal (p.Tyr1195*) in the PIEZO1 gene. It is expected to result in an absent or disrupted protein product. Loss-of-function variants in PIEZO1 are known to be pathogenic (PMID: 26333996).

Literature cited by the submitters: PubMed 26333996.

NM_001142864.4(PIEZO1):c.3585C>A (p.Tyr1195Ter)

Gene: PIEZO1 (piezo type mechanosensitive ion channel component 1 (Er blood group); minus strand). Cytogenetic location: 16q24.3.
Variant type: single nucleotide variant.
Coding change: c.3585C>A on transcript NM_001142864.4 (MANE Select); coding-DNA position 3585, C replaced by A.
Protein change: p.Tyr1195Ter; replaces tyrosine 1195 with a stop codon.
Molecular consequence: nonsense.
Genome position (GRCh38, 1-based): chr16:88,726,829, G>T on the plus strand (C>A on the coding strand, the complement: PIEZO1 is on the minus strand). VCF-style: chr16-88726829-G-T. GRCh37 (hg19) VCF-style: chr16-88793237-G-T.
Other names: c.2127C>A, p.Tyr709Ter (NM_014745.1); short protein forms Y709*, Y1195*.
Identifiers: ClinVar variation 2705448 (VCV002705448.3), dbSNP rs2507876961, ClinGen allele CA397104207.
Genomic context (GRCh38, chr16:88,726,829, plus strand): 5'-CCACAGCACGAGGCGGGCCCGTGTGTCCCTCTGCAGCAGGGCCGTGCCGAAGAGCAGCAG[G>T]TAGAAGCAGGCCAGCAGGTAGCCCAGCCCGAAGATGCTGATGCGGGTGGCCCCCGTGACA-3'